The following is an entry in ClinVar:

ClinVar aggregate classification (germline): Uncertain significance (1 of 4 stars; one submission).

Conditions:
Retinoblastoma (RB1). Also called: RETINOBLASTOMA, SOMATIC. Identifiers: Orphanet 790, MedGen C0035335, MeSH D012175, MONDO:0008380, OMIM 180200, HP:0009919. Disease mechanism: loss of function. Inheritance: Both sporadic and heritable forms are tested..

Submission:

Genetic Diagnostic Laboratory, University of Pennsylvania School of Medicine
Classification: Uncertain significance for Retinoblastoma. Last evaluated: 2024-05-20. Review status: criteria provided, single submitter. Criteria: ACMG Guidelines, 2015. Collection method: clinical testing. Allele origin: germline. Affected: yes. Observed: 1 variant allele.
Comment: Case and Pedigree Information: BILATERAL CASES:1, UNILATERAL CASES:0, TOTAL CASES:1, PEDIGREES:1. ACMG Codes Applied:PM2

NM_000321.3(RB1):c.861+3A>T

Gene: RB1 (RB transcriptional corepressor 1; plus strand). Cytogenetic location: 13q14.2.
Variant type: single nucleotide variant.
Coding change: c.861+3A>T on transcript NM_000321.3 (MANE Select); 3 bases into the intron after coding-DNA position 861, A replaced by T.
Molecular consequence: intron variant.
Genome position (GRCh38, 1-based): chr13:48,362,960, A>T. VCF-style: chr13-48362960-A-T. GRCh37 (hg19) VCF-style: chr13-48937096-A-T.
Other names: c.861+3A>T (NM_001407165.1, NM_001407166.1).
Identifiers: ClinVar variation 3236933 (VCV003236933.1), dbSNP rs2138112903.